The following is an entry in ClinVar:

ClinVar aggregate classification (germline): Benign. Review status: criteria provided, multiple submitters, no conflicts (2 of 4 stars). 2 submissions from 2 submitters: Benign (2). Last evaluated 2024-01-24.

Submissions (2):

Unidad de Genómica Garrahan, Hospital de Pediatría Garrahan
Classification: Benign. Last evaluated: 2024-01-24. Review status: criteria provided, single submitter. Criteria: ACMG Guidelines, 2015. Collection method: clinical testing. Allele origin: germline. Affected: no. Observed: 27 variant alleles.
Comment: This variant is classified as Benign based on local population frequency. This variant was detected in 28% of patients studied by a panel of primary immunodeficiencies. Number of patients: 27. Only high quality variants are reported.

GeneDx
Classification: Benign. Last evaluated: 2018-06-16. Review status: criteria provided, single submitter. Criteria: GeneDx Variant Classification (06012015). Collection method: clinical testing. Allele origin: germline. Affected: yes.
Comment: This variant is considered likely benign or benign based on one or more of the following criteria: it is a conservative change, it occurs at a poorly conserved position in the protein, it is predicted to be benign by multiple in silico algorithms, and/or has population frequency not consistent with disease.

NM_005219.5(DIAPH1):c.1164-35AT[3]

Gene: DIAPH1 (diaphanous related formin 1; minus strand). Cytogenetic location: 5q31.3.
Variant type: Microsatellite.
Coding change: c.1164-35AT[3] on transcript NM_005219.5 (MANE Select); three copies in a row of the 2-base unit AT starting at c.1164-35; the reference has two copies in a row; one copy, 2 bases duplicated.
Molecular consequence: intron variant.
Genome position (GRCh38, 1-based): chr5:141,577,623-141,577,624, AT duplicated on the plus strand (AT on the coding strand, the reverse complement: DIAPH1 is on the minus strand); duplicating any 2 consecutive bases within chr5:141,577,623-141,577,626 gives the same sequence; the position shown is the placement nearest the transcript's 3' end. VCF-style (leftmost placement, unchanged base first): chr5-141577622-A-AAT. GRCh37 (hg19) VCF-style: chr5-140957189-A-AAT.
Other names: c.1137-35AT[3] (NM_001079812.3); c.1164-35AT[3] (NM_001314007.2).
Identifiers: ClinVar variation 682616 (VCV000682616.3), dbSNP rs143356915, ClinGen allele CA3479365.